The following is an entry in ClinVar:

ClinVar aggregate classification (germline): Uncertain significance (1 of 4 stars; one submission).

Allele frequency attached by ClinVar (database versions not stated): ExAC 0.00001.
gnomAD v4.1: 1 of 1,613,792 alleles (0.000062%); highest among the groups gnomAD compares: East Asian, 0.0022%; no homozygotes.

Submission:

Labcorp Genetics (formerly Invitae), Labcorp
Classification: Uncertain significance. Last evaluated: 2022-03-04. Review status: criteria provided, single submitter. Criteria: Invitae Variant Classification Sherloc (09022015). Collection method: clinical testing. Allele origin: germline.
Comment: This sequence change falls in intron 9 of the C1S gene. It does not directly change the encoded amino acid sequence of the C1S protein. In summary, the available evidence is currently insufficient to determine the role of this variant in disease. Therefore, it has been classified as a Variant of Uncertain Significance. Algorithms developed to predict the effect of sequence changes on RNA splicing suggest that this variant may create or strengthen a splice site. This variant has not been reported in the literature in individuals affected with C1S-related conditions. This variant is present in population databases (rs781903611, gnomAD 0.006%).

NM_001734.5(C1S):c.1067-9G>T

Gene: C1S (complement C1s; plus strand). Cytogenetic location: 12p13.31.
Variant type: single nucleotide variant.
Coding change: c.1067-9G>T on transcript NM_001734.5 (MANE Select); 9 bases into the intron before coding-DNA position 1067, G replaced by T.
Molecular consequence: intron variant.
Genome position (GRCh38, 1-based): chr12:7,067,634, G>T. VCF-style: chr12-7067634-G-T. GRCh37 (hg19) VCF-style: chr12-7174938-G-T.
Other names: c.1067-9G>T (NM_201442.4); c.566-9G>T (NM_001346850.2).
Identifiers: ClinVar variation 2100489 (VCV002100489.4), dbSNP rs781903611, ClinGen allele CA6423672.